The following is an entry in ClinVar:

NM_001386298.1(CIC):c.7517dup (p.Pro2507fs)

Gene: CIC (capicua transcriptional repressor; plus strand). Cytogenetic location: 19q13.2.
Variant type: Duplication.
Coding change: c.7517dup on transcript NM_001386298.1 (MANE Select); coding-DNA position 7517, one base duplicated (C; older notation c.7517dupC).
Protein change: p.Pro2507fs; shifts the reading frame from proline 2507.
Molecular consequence: frameshift variant.
Genome position (GRCh38, 1-based): chr19:42,295,154, C duplicated; the last of 7 consecutive C bases (chr19:42,295,148-42,295,154); duplicating any one gives the same sequence. VCF-style (leftmost placement, unchanged base first): chr19-42295147-T-TC. GRCh37 (hg19) VCF-style: chr19-42799299-T-TC.
Other names: c.4790dup (NM_015125.3); c.7517dup, p.Pro2507fs (NM_001304815.2); c.7514dup, p.Pro2506fs (NM_001379480.1, NM_001379482.1); c.7514dup, p.Pro2506Thrfs (NM_001379483.1); c.4784dup, p.Pro1596fs (NM_001379484.1); c.4781dup, p.Pro1595fs (NM_001379485.1); c.4790dup, p.Pro1598fs (NM_015125.5); short protein forms P1595fs, P1596fs, P1598fs, P2506fs, P2507fs.
Identifiers: ClinVar variation 2444056 (VCV002444056.2), dbSNP rs1158987717, ClinGen allele CA633199586.
Genomic context (GRCh38, chr19:42,295,147, plus strand): 5'-CTGCCTCCACCCCCAGAGTCGGGGCCTGGACAGCCTGGCTGGGAGGGGGCTCCCCAGCCC[T>TC]CCCCCCCACCCCCAGGTCCCTCCACAGCTGCCACAGGCAGGTGAGGGACCCCTGAGAAGA-3'

ClinVar aggregate classification (germline): Uncertain significance. Review status: criteria provided, multiple submitters, no conflicts (2 of 4 stars). 2 submissions from 2 submitters: Uncertain significance (2). Last evaluated 2025-06-26.

Conditions:
Intellectual developmental disorder, autosomal dominant 45. Also called: MENTAL RETARDATION, AUTOSOMAL DOMINANT 45; Intellectual disability, autosomal dominant 45. Identifiers: MedGen C4539848, MONDO:0030910, OMIM 617600.

Submissions (2):

GeneDx
Classification: Uncertain significance. Last evaluated: 2025-06-26. Review status: criteria provided, single submitter. Criteria: GeneDx Variant Classification Process June 2021. Collection method: clinical testing. Allele origin: germline. Affected: yes.
Comment: Frameshift variant predicted to result in abnormal protein length as the last 11 amino acids are replaced with 15 different amino acids; Not observed at significant frequency in large population cohorts (gnomAD); Has not been previously published as pathogenic or benign to our knowledge

3billion
Classification: Uncertain significance for Intellectual developmental disorder, autosomal dominant 45. Last evaluated: 2023-02-23. Review status: criteria provided, single submitter. Criteria: ACMG Guidelines, 2015. Collection method: clinical testing. Allele origin: unknown. Affected: yes.
Comment: The variant is not observed in the gnomAD v2.1.1 dataset. This variant was predicted to result in a loss or disruption of normal protein function through protein truncation. The predicted truncated protein may be shortened by less than 10%. Therefore, this variant is classified as VUS according to the recommendation of ACMG/AMP guideline.